The following is an entry in ClinVar:

NM_024642.5(GALNT12):c.926C>A (p.Thr309Lys)

Gene: GALNT12 (polypeptide N-acetylgalactosaminyltransferase 12; plus strand). Cytogenetic location: 9q22.33.
Variant type: single nucleotide variant.
Coding change: c.926C>A on transcript NM_024642.5 (MANE Select); coding-DNA position 926, C replaced by A.
Protein change: p.Thr309Lys; replaces threonine 309 with lysine.
Molecular consequence: missense variant.
Genome position (GRCh38, 1-based): chr9:98,835,257, C>A. VCF-style: chr9-98835257-C-A. GRCh37 (hg19) VCF-style: chr9-101597539-C-A.
Other names: short protein forms T309K.
Identifiers: ClinVar variation 2447035 (VCV002447035.3), dbSNP rs1836110300, ClinGen allele CA374219330.
Genomic context (GRCh38, chr9:98,835,257, plus strand): 5'-TGTGATGGTTTTCTGCTGTCTACAGTGAAATAAGGATATCATACTTTTTTAGGTCTCCAA[C>A]AATGGCTGGTGGGCTGTTTGCTGTGAGTAAGAAATATTTTGAATATCTGGGGTCTTATGA-3'
Protein context (NP_078918.3, residues 299-319): QSPVDVIRSP[Thr309Lys]MAGGLFAVSK

ClinVar aggregate classification (germline): Uncertain significance (1 of 4 stars; one submission).

Submission:

Ambry Genetics
Classification: Uncertain significance. Last evaluated: 2025-03-03. Review status: criteria provided, single submitter. Criteria: Ambry Variant Classification Scheme 2023. Collection method: clinical testing. Allele origin: germline.
Comment: The p.T309K variant (also known as c.926C>A), located in coding exon 5 of the GALNT12 gene, results from a C to A substitution at nucleotide position 926. The threonine at codon 309 is replaced by lysine, an amino acid with similar properties. This amino acid position is conserved. In addition, this alteration is predicted to be deleterious by in silico analysis. Since supporting evidence is limited at this time, the clinical significance of this alteration remains unclear.